The following is an entry in ClinVar:

ClinVar aggregate classification (germline): Likely benign (1 of 4 stars; one submission).

Submission:

CeGaT Center for Human Genetics Tuebingen
Classification: Likely benign. Last evaluated: 2026-07-01. Review status: criteria provided, single submitter. Criteria: CeGaT Center For Human Genetics Tuebingen Variant Classification Criteria Version 2. Collection method: clinical testing. Allele origin: germline. Affected: yes. Observed: 1 variant allele.
Comment: TTC21B: PM2:Supporting, BP4, BP7

NM_024753.5(TTC21B):c.3309A>T (p.Thr1103=)

Gene: TTC21B (tetratricopeptide repeat domain 21B; minus strand). Cytogenetic location: 2q24.3.
Variant type: single nucleotide variant.
Coding change: c.3309A>T on transcript NM_024753.5 (MANE Select); coding-DNA position 3309, A replaced by T.
Protein change: p.Thr1103=; no amino-acid change (threonine 1103 retained).
Molecular consequence: synonymous variant.
Genome position (GRCh38, 1-based): chr2:165,888,429, T>A on the plus strand (A>T on the coding strand, the complement: TTC21B is on the minus strand). VCF-style: chr2-165888429-T-A. GRCh37 (hg19) VCF-style: chr2-166744939-T-A.
Identifiers: ClinVar variation 5040167 (VCV005040167.1).